The following is an entry in ClinVar:

NM_176787.5(PIGN):c.274A>G (p.Thr92Ala)

Gene: PIGN (phosphatidylinositol glycan anchor biosynthesis class N; minus strand). Cytogenetic location: 18q21.33.
Variant type: single nucleotide variant.
Coding change: c.274A>G on transcript NM_176787.5 (MANE Select); coding-DNA position 274, A replaced by G.
Protein change: p.Thr92Ala; replaces threonine 92 with alanine.
Molecular consequence: missense variant.
Genome position (GRCh38, 1-based): chr18:62,157,756, T>C on the plus strand (A>G on the coding strand, the complement: PIGN is on the minus strand). VCF-style: chr18-62157756-T-C. GRCh37 (hg19) VCF-style: chr18-59824989-T-C.
Other names: c.274A>G, p.Thr92Ala (NM_012327.6); short protein forms T92A.
Identifiers: ClinVar variation 1009546 (VCV001009546.6), dbSNP rs750517103, ClinGen allele CA8982619.

ClinVar aggregate classification (germline): Uncertain significance (1 of 4 stars; one submission).

Conditions:
Multiple congenital anomalies-hypotonia-seizures syndrome 1 (MCAHS1). Also called: GLYCOSYLPHOSPHATIDYLINOSITOL BIOSYNTHESIS DEFECT 3; PIGN-CDG; Congenital disorder of glycosylation due to PIGN deficiency. Identifiers: Orphanet 280633, MedGen C3279775, MONDO:0013563, OMIM 614080.

Allele frequency attached by ClinVar (database versions not stated): gnomAD exomes 0.00001; ExAC 0.00002; TOPMed below 0.00001.
gnomAD v4.1: 9 of 1,612,688 alleles (0.00056%); highest among the groups gnomAD compares: East Asian, 0.0045%; no homozygotes.

Submission:

Labcorp Genetics (formerly Invitae), Labcorp
Classification: Uncertain significance for Multiple congenital anomalies-hypotonia-seizures syndrome 1. Last evaluated: 2021-08-24. Review status: criteria provided, single submitter. Criteria: Invitae Variant Classification Sherloc (09022015). Collection method: clinical testing. Allele origin: germline.
Comment: This sequence change replaces threonine with alanine at codon 92 of the PIGN protein (p.Thr92Ala). The threonine residue is highly conserved and there is a small physicochemical difference between threonine and alanine. This variant is present in population databases (rs750517103, ExAC 0.03%). This variant has not been reported in the literature in individuals affected with PIGN-related conditions. Algorithms developed to predict the effect of missense changes on protein structure and function (SIFT, PolyPhen-2, Align-GVGD) all suggest that this variant is likely to be disruptive. Algorithms developed to predict the effect of sequence changes on RNA splicing suggest that this variant may create or strengthen a splice site. In summary, the available evidence is currently insufficient to determine the role of this variant in disease. Therefore, it has been classified as a Variant of Uncertain Significance.